The following is an entry in ClinVar:

NM_006922.4(SCN3A):c.2021G>A (p.Gly674Asp)

Gene: SCN3A (sodium voltage-gated channel alpha subunit 3; minus strand). Cytogenetic location: 2q24.3.
Variant type: single nucleotide variant.
Coding change: c.2021G>A on transcript NM_006922.4 (MANE Select); coding-DNA position 2021, G replaced by A.
Protein change: p.Gly674Asp; replaces glycine 674 with aspartic acid.
Molecular consequence: missense variant.
Genome position (GRCh38, 1-based): chr2:165,139,607, C>T on the plus strand (G>A on the coding strand, the complement: SCN3A is on the minus strand). VCF-style: chr2-165139607-C-T. GRCh37 (hg19) VCF-style: chr2-165996117-C-T.
Other names: c.1874G>A, p.Gly625Asp (NM_001081676.2, NM_001081677.2); short protein forms G674D, G625D.
Identifiers: ClinVar variation 240708 (VCV000240708.10), dbSNP rs751294193, ClinGen allele CA1939036.

ClinVar aggregate classification (germline): Uncertain significance. Review status: criteria provided, multiple submitters, no conflicts (2 of 4 stars). 3 submissions from 3 submitters: Uncertain significance (3). Last evaluated 2025-04-07.

Conditions:
Developmental and epileptic encephalopathy, 62. Also called: Early infantile epileptic encephalopathy 62. Identifiers: MedGen C4693699, MONDO:0033371, OMIM 617938.
Epilepsy, familial focal, with variable foci 4 (FFEVF4). Identifiers: MedGen C4693694, MONDO:0054776, OMIM 617935.

Allele frequency attached by ClinVar (database versions not stated): TOPMed 0.00001; gnomAD exomes 0.00004; ExAC 0.00008.

Submissions (3):

Labcorp Genetics (formerly Invitae), Labcorp
Classification: Uncertain significance. Last evaluated: 2025-04-07. Review status: criteria provided, single submitter. Criteria: Invitae Variant Classification Sherloc (09022015). Collection method: clinical testing. Allele origin: germline.
Comment: This sequence change replaces glycine, which is neutral and non-polar, with aspartic acid, which is acidic and polar, at codon 674 of the SCN3A protein (p.Gly674Asp). This variant is present in population databases (rs751294193, gnomAD 0.02%). This variant has not been reported in the literature in individuals affected with SCN3A-related conditions. ClinVar contains an entry for this variant (Variation ID: 240708). An algorithm developed to predict the effect of missense changes on protein structure and function (PolyPhen-2) suggests that this variant is likely to be disruptive. In summary, the available evidence is currently insufficient to determine the role of this variant in disease. Therefore, it has been classified as a Variant of Uncertain Significance.

Athena Diagnostics
Classification: Uncertain significance. Last evaluated: 2021-08-30. Review status: criteria provided, single submitter. Criteria: Athena Diagnostics Criteria. Collection method: clinical testing. Allele origin: unknown.

Fulgent Genetics
Classification: Uncertain significance for Epilepsy, familial focal, with variable foci 4; Developmental and epileptic encephalopathy, 62. Last evaluated: 2018-10-31. Review status: criteria provided, single submitter. Criteria: ACMG Guidelines, 2015. Collection method: clinical testing. Allele origin: unknown.